The following is an entry in ClinVar:

NM_002519.3(NPAT):c.3787A>G (p.Ser1263Gly)

Gene: NPAT (nuclear protein, coactivator of histone transcription; minus strand). Cytogenetic location: 11q22.3.
Variant type: single nucleotide variant.
Coding change: c.3787A>G on transcript NM_002519.3 (MANE Select); coding-DNA position 3787, A replaced by G.
Protein change: p.Ser1263Gly; replaces serine 1263 with glycine.
Molecular consequence: missense variant.
Genome position (GRCh38, 1-based): chr11:108,161,299, T>C on the plus strand (A>G on the coding strand, the complement: NPAT is on the minus strand). VCF-style: chr11-108161299-T-C. GRCh37 (hg19) VCF-style: chr11-108032026-T-C.
Other names: c.3808A>G, p.Ser1270Gly (NM_001321307.1); short protein forms S1263G, S1270G.
Identifiers: ClinVar variation 3222603 (VCV003222603.1), dbSNP rs2496694628, ClinGen allele CA382510044.

ClinVar aggregate classification (germline): Uncertain significance (1 of 4 stars; one submission).

Submission:

Ambry Genetics
Classification: Uncertain significance. Last evaluated: 2024-03-12. Review status: criteria provided, single submitter. Criteria: Ambry Variant Classification Scheme 2023. Collection method: clinical testing. Allele origin: germline.
Comment: The p.S1263G variant (also known as c.3787A>G), located in coding exon 17 of the NPAT gene, results from an A to G substitution at nucleotide position 3787. The serine at codon 1263 is replaced by glycine, an amino acid with similar properties. This amino acid position is conserved. In addition, this alteration is predicted to be tolerated by in silico analysis. Based on the available evidence, the clinical significance of this alteration remains unclear.